The following is an entry in ClinVar:

ClinVar aggregate classification (germline): Uncertain significance (1 of 4 stars; one submission).

gnomAD v4.1: 10 of 1,614,162 alleles (0.00062%); highest among the groups gnomAD compares: African/African-American, 0.0027%; no homozygotes.

Submission:

Ambry Genetics
Classification: Uncertain significance. Last evaluated: 2024-10-15. Review status: criteria provided, single submitter. Criteria: Ambry Variant Classification Scheme 2023. Collection method: clinical testing. Allele origin: germline.
Comment: The p.P1317A variant (also known as c.3949C>G), located in coding exon 14 of the CDK12 gene, results from a C to G substitution at nucleotide position 3949. The proline at codon 1317 is replaced by alanine, an amino acid with highly similar properties. This amino acid position is conserved. In addition, this alteration is predicted to be tolerated by in silico analysis. Based on the available evidence, the clinical significance of this variant remains unclear.

NM_016507.4(CDK12):c.3949C>G (p.Pro1317Ala)

Gene: CDK12 (cyclin dependent kinase 12; plus strand). Cytogenetic location: 17q12.
Variant type: single nucleotide variant.
Coding change: c.3949C>G on transcript NM_016507.4 (MANE Select); coding-DNA position 3949, C replaced by G.
Protein change: p.Pro1317Ala; replaces proline 1317 with alanine.
Molecular consequence: missense variant.
Genome position (GRCh38, 1-based): chr17:39,530,792, C>G. VCF-style: chr17-39530792-C-G. GRCh37 (hg19) VCF-style: chr17-37687045-C-G.
Other names: c.3922C>G, p.Pro1308Ala (NM_015083.4); short protein forms P1317A, P1308A.
Identifiers: ClinVar variation 3489178 (VCV003489178.1).